The following is an entry in ClinVar:

ClinVar aggregate classification (germline): Pathogenic/Likely pathogenic. Review status: criteria provided, multiple submitters, no conflicts (2 of 4 stars). 4 submissions from 4 submitters: Pathogenic (1); Likely pathogenic (1). 2 of the submissions do not count toward it. Last evaluated 2022-09-01.

Conditions:
Cerebellar-facial-dental syndrome. Also called: Cerebellofaciodental syndrome. Identifiers: Orphanet 444072, MedGen C4015495, MONDO:0014529, OMIM 616202.
Inborn genetic diseases. Identifiers: MedGen C0950123, MeSH D030342.

Allele frequency attached by ClinVar (database versions not stated): gnomAD exomes 0.00001.
gnomAD v4.1: 4 of 1,612,012 alleles (0.00025%); highest among the groups gnomAD compares: East Asian, 0.0022%; no homozygotes.

Submissions (4):

3billion
Classification: Pathogenic for Cerebellar-facial-dental syndrome. Last evaluated: 2022-09-01. Review status: criteria provided, single submitter. Criteria: ACMG Guidelines, 2015. Collection method: clinical testing. Allele origin: germline. Affected: yes. Observed: 1 homozygote.
Comment: The variant is observed at an extremely low frequency in the gnomAD v2.1.1 dataset (total allele frequency: <0.001%). Functional studies provide strong evidence of the variant having a damaging effect on the gene or gene product (PMID: 25561519 , 25561519). In silico tool predictions suggest damaging effect of the variant on gene or gene product (REVEL: 0.86; 3Cnet: 0.56). Same nucleotide change resulting in same amino acid change has been previously reported to be associated with BRF1-related disorder (ClinVar ID: VCV000161423 / PMID: 25561519). The variant has been reported to be in trans with a pathogenic variant as either compound heterozygous or homozygous in at least one similarly affected unrelated individual (PMID: 25561519). Therefore, this variant is classified as Pathogenic according to the recommendation of ACMG/AMP guideline.

Ambry Genetics
Classification: Likely pathogenic for Inborn genetic diseases. Last evaluated: 2019-01-09. Review status: criteria provided, single submitter. Criteria: Ambry exome assertion method (8-5-2015). Collection method: clinical testing. Allele origin: germline. Affected: yes. Observed: 1 variant allele.

OMIM
Classification: Pathogenic for CEREBELLOFACIODENTAL SYNDROME. Last evaluated: 2015-01-05. Review status: no assertion criteria provided. Collection method: literature only. Allele origin: germline. Not counted in ClinVar's aggregate classification.

Institute of Human Genetics, University of Ulm
Classification: Pathogenic for cerebellar-facial-dental syndrome. Last evaluated: 2014-12-04. Review status: no assertion criteria provided. Collection method: research. Allele origin: germline. Inheritance: Autosomal recessive inheritance. Affected: yes. Observed: 4 variant alleles, 2 compound heterozygotes, 2 homozygotes. Clinical features observed: short stature, microcephaly, intellectual disability, cerebellar hypoplasia, prominent incisors, taurodontism, facial dysmorphisms. Not counted in ClinVar's aggregate classification.

Literature cited by the submitters: PubMed 25561519 (cited by 3 submitters).

NM_001519.4(BRF1):c.677C>T (p.Ser226Leu)

Gene: BRF1 (BRF1 general transcription factor IIIB subunit; minus strand). Cytogenetic location: 14q32.33.
Variant type: single nucleotide variant.
Coding change: c.677C>T on transcript NM_001519.4 (MANE Select); coding-DNA position 677, C replaced by T.
Protein change: p.Ser226Leu; replaces serine 226 with leucine.
Molecular consequence: missense variant. On other transcripts: intron variant (1).
Genome position (GRCh38, 1-based): chr14:105,241,282, G>A on the plus strand (C>T on the coding strand, the complement: BRF1 is on the minus strand). VCF-style: chr14-105241282-G-A. GRCh37 (hg19) VCF-style: chr14-105707619-G-A.
Other names: c.332C>T, p.Ser111Leu (NM_001242786.2, NM_001242787.2); c.596C>T, p.Ser199Leu (NM_001242788.2); c.65C>T, p.Ser22Leu (NM_145685.3); c.-21+7867C>T (NM_001242789.2); short protein forms S111L, S226L, S199L, S22L.
Identifiers: ClinVar variation 161423 (VCV000161423.8), dbSNP rs606231416, ClinGen allele CA174012.